The following is an entry in ClinVar:

NM_000179.3(MSH6):c.2545A>G (p.Thr849Ala)

Gene: MSH6 (mutS homolog 6; plus strand). Cytogenetic location: 2p16.3.
Variant type: single nucleotide variant.
Coding change: c.2545A>G on transcript NM_000179.3 (MANE Select); coding-DNA position 2545, A replaced by G.
Protein change: p.Thr849Ala; replaces threonine 849 with alanine.
Molecular consequence: missense variant.
Genome position (GRCh38, 1-based): chr2:47,800,528, A>G. VCF-style: chr2-47800528-A-G. GRCh37 (hg19) VCF-style: chr2-48027667-A-G.
Other names: c.2155A>G, p.Thr719Ala (NM_001281492.2); c.1639A>G, p.Thr547Ala (NM_001281493.2, NM_001281494.2); short protein forms T849A, T547A, T719A.
Identifiers: ClinVar variation 574463 (VCV000574463.9), dbSNP rs1558665776, ClinGen allele CA346754546.

ClinVar aggregate classification (germline): Uncertain significance (1 of 4 stars; one submission).

Conditions:
Hereditary nonpolyposis colorectal neoplasms. Identifiers: MedGen C0009405, MeSH D003123.

Allele frequency attached by ClinVar (database versions not stated): TOPMed below 0.00001.

Submission:

Labcorp Genetics (formerly Invitae), Labcorp
Classification: Uncertain significance for Hereditary nonpolyposis colorectal neoplasms. Last evaluated: 2023-04-24. Review status: criteria provided, single submitter. Criteria: Invitae Variant Classification Sherloc (09022015). Collection method: clinical testing. Allele origin: germline.
Comment: This sequence change replaces threonine, which is neutral and polar, with alanine, which is neutral and non-polar, at codon 849 of the MSH6 protein (p.Thr849Ala). This variant is not present in population databases (gnomAD no frequency). This variant has not been reported in the literature in individuals affected with MSH6-related conditions. ClinVar contains an entry for this variant (Variation ID: 574463). Advanced modeling of protein sequence and biophysical properties (such as structural, functional, and spatial information, amino acid conservation, physicochemical variation, residue mobility, and thermodynamic stability) performed at Invitae indicates that this missense variant is not expected to disrupt MSH6 protein function. In summary, the available evidence is currently insufficient to determine the role of this variant in disease. Therefore, it has been classified as a Variant of Uncertain Significance.